The following is an entry in ClinVar:

NM_016213.5(TRIP4):c.831dup (p.Arg278fs)

Gene: TRIP4 (thyroid hormone receptor interactor 4; plus strand). Cytogenetic location: 15q22.31.
Variant type: Duplication.
Coding change: c.831dup on transcript NM_016213.5 (MANE Select); coding-DNA position 831, one base duplicated (T; older notation c.831dupT).
Protein change: p.Arg278fs; shifts the reading frame from arginine 278.
Molecular consequence: frameshift variant. On other transcripts: non-coding transcript variant (1).
Genome position (GRCh38, 1-based): chr15:64,409,616, T duplicated; the last of 2 consecutive T bases (chr15:64,409,615-64,409,616); duplicating either gives the same sequence. VCF-style (leftmost placement, unchanged base first): chr15-64409614-A-AT. GRCh37 (hg19) VCF-style: chr15-64701813-A-AT.
Other names: c.141dup, p.Arg48fs (NM_001321924.2); short protein forms R278fs, R48fs.
Identifiers: ClinVar variation 3027261 (VCV003027261.22), dbSNP rs2505434082, ClinGen allele CA2575756445.

ClinVar aggregate classification (germline): Pathogenic (1 of 4 stars; one submission).

Submission:

CeGaT Center for Human Genetics Tuebingen
Classification: Pathogenic. Last evaluated: 2024-02-01. Review status: criteria provided, single submitter. Criteria: CeGaT Center For Human Genetics Tuebingen Variant Classification Criteria Version 2. Collection method: clinical testing. Allele origin: germline. Affected: yes. Observed: 1 variant allele.
Comment: TRIP4: PVS1, PM2